The following is an entry in ClinVar:

NM_001035.3(RYR2):c.10508A>G (p.Asp3503Gly)

Gene: RYR2 (ryanodine receptor 2; plus strand). Cytogenetic location: 1q43.
Variant type: single nucleotide variant.
Coding change: c.10508A>G on transcript NM_001035.3 (MANE Select); coding-DNA position 10508, A replaced by G.
Protein change: p.Asp3503Gly; replaces aspartic acid 3503 with glycine.
Molecular consequence: missense variant.
Genome position (GRCh38, 1-based): chr1:237,718,475, A>G. VCF-style: chr1-237718475-A-G. GRCh37 (hg19) VCF-style: chr1-237881775-A-G.
Other names: short protein forms D3503G.
Identifiers: ClinVar variation 1776834 (VCV001776834.2), dbSNP rs1689444123, ClinGen allele CA345415158.
Genomic context (GRCh38, chr1:237,718,475, plus strand): 5'-TTGATGCAATAGAAGACTCCTTTTAGGTAACATATATTTCTTGACAGAAAGATACCGAGG[A>G]TGAAGTACGAGATATAATCCGCAGCAATATTCATTTACAAGGCAAGGTAAGCCAAATTTT-3'
Protein context (NP_001026.2, residues 3493-3513): KNRFSLKDTE[Asp3503Gly]EVRDIIRSNI

ClinVar aggregate classification (germline): Uncertain significance (1 of 4 stars; one submission).

Conditions:
Cardiovascular phenotype. Identifiers: MedGen CN230736.

Allele frequency attached by ClinVar (database versions not stated): TOPMed below 0.00001.

Submission:

Ambry Genetics
Classification: Uncertain significance for Cardiovascular phenotype. Last evaluated: 2018-11-30. Review status: criteria provided, single submitter. Criteria: Ambry Variant Classification Scheme 2023. Collection method: clinical testing. Allele origin: germline.
Comment: The p.D3503G variant (also known as c.10508A>G), located in coding exon 73 of the RYR2 gene, results from an A to G substitution at nucleotide position 10508. The aspartic acid at codon 3503 is replaced by glycine, an amino acid with similar properties. This amino acid position is not well conserved in available vertebrate species. In addition, the in silico prediction for this alteration is inconclusive. Since supporting evidence is limited at this time, the clinical significance of this alteration remains unclear.